The following is an entry in ClinVar:

NM_000433.4(NCF2):c.872G>C (p.Cys291Ser)

Gene: NCF2 (neutrophil cytosolic factor 2; minus strand). Cytogenetic location: 1q25.3.
Variant type: single nucleotide variant.
Coding change: c.872G>C on transcript NM_000433.4 (MANE Select); coding-DNA position 872, G replaced by C.
Protein change: p.Cys291Ser; replaces cysteine 291 with serine.
Molecular consequence: missense variant.
Genome position (GRCh38, 1-based): chr1:183,566,972, C>G on the plus strand (G>C on the coding strand, the complement: NCF2 is on the minus strand). VCF-style: chr1-183566972-C-G. GRCh37 (hg19) VCF-style: chr1-183536107-C-G.
Other names: c.872G>C, p.Cys291Ser (NM_001127651.3); c.629G>C, p.Cys210Ser (NM_001190789.2); c.737G>C, p.Cys246Ser (NM_001190794.2); short protein forms C246S, C291S, C210S.
Identifiers: ClinVar variation 1476360 (VCV001476360.8), dbSNP rs2102889993, ClinGen allele CA343671809.
Genomic context (GRCh38, chr1:183,566,972, plus strand): 5'-CACATTACCTGGGGCTGCTGCTGAGGGTGGATCCGCAGCTCAACTGGTTCAAGGTAGTTG[C>G]AGGGAACAAGCCCCTTCTGCAGTGCAGCACCACAGAATCAGAAAGGAAAAAATAAAGATG-3'
Protein context (NP_000424.2, residues 281-301): MFNGQKGLVP[Cys291Ser]NYLEPVELRI

ClinVar aggregate classification (germline): Uncertain significance (1 of 4 stars; one submission).

Conditions:
Granulomatous disease, chronic, autosomal recessive, cytochrome b-positive, type 2. Also called: GRANULOMATOUS DISEASE, CHRONIC, AUTOSOMAL RECESSIVE, 2; GRANULOMATOUS DISEASE, CHRONIC, DUE TO NCF2 DEFICIENCY; Chronic granulomatous disease due to deficiency of NCF-2; Chronic Granulomatous Disease, Autosomal Recessive, Cytochrome b-Positive, Type II; CGD, AUTOSOMAL RECESSIVE CYTOCHROME b-POSITIVE, TYPE II. Identifiers: Orphanet 379, MedGen C1856245, MONDO:0009310, OMIM 233710.

Submission:

Labcorp Genetics (formerly Invitae), Labcorp
Classification: Uncertain significance for Granulomatous disease, chronic, autosomal recessive, cytochrome b-positive, type 2. Last evaluated: 2021-04-05. Review status: criteria provided, single submitter. Criteria: Invitae Variant Classification Sherloc (09022015). Collection method: clinical testing. Allele origin: germline.
Comment: In summary, the available evidence is currently insufficient to determine the role of this variant in disease. Therefore, it has been classified as a Variant of Uncertain Significance. Algorithms developed to predict the effect of missense changes on protein structure and function are either unavailable or do not agree on the potential impact of this missense change (SIFT: "Tolerated"; PolyPhen-2: "Probably Damaging"; Align-GVGD: "Class C0"). This variant has not been reported in the literature in individuals with NCF2-related conditions. This variant is not present in population databases (ExAC no frequency). This sequence change replaces cysteine with serine at codon 291 of the NCF2 protein (p.Cys291Ser). The cysteine residue is moderately conserved and there is a moderate physicochemical difference between cysteine and serine.